The following is an entry in ClinVar:

ClinVar aggregate classification (germline): Uncertain significance (1 of 4 stars; one submission).

Conditions:
Hereditary cancer-predisposing syndrome. Also called: Tumor predisposition; Neoplastic Syndromes, Hereditary; Hereditary neoplastic syndrome; Hereditary Cancer Syndrome. Identifiers: Orphanet 140162, MedGen C0027672, MeSH D009386, MONDO:0015356.

Submission:

Ambry Genetics
Classification: Uncertain significance for Hereditary cancer-predisposing syndrome. Last evaluated: 2024-11-26. Review status: criteria provided, single submitter. Criteria: Ambry Variant Classification Scheme 2023. Collection method: clinical testing. Allele origin: germline.
Comment: The p.S719A variant (also known as c.2155T>G), located in coding exon 13 of the ATM gene, results from a T to G substitution at nucleotide position 2155. The serine at codon 719 is replaced by alanine, an amino acid with similar properties. This amino acid position is conserved. In addition, this alteration is predicted to be tolerated by in silico analysis. Based on the available evidence, the clinical significance of this variant remains unclear.

NM_000051.4(ATM):c.2155T>G (p.Ser719Ala)

Gene: ATM (ATM serine/threonine kinase; plus strand). Cytogenetic location: 11q22.3.
Variant type: single nucleotide variant.
Coding change: c.2155T>G on transcript NM_000051.4 (MANE Select); coding-DNA position 2155, T replaced by G.
Protein change: p.Ser719Ala; replaces serine 719 with alanine.
Molecular consequence: missense variant.
Genome position (GRCh38, 1-based): chr11:108,256,245, T>G. VCF-style: chr11-108256245-T-G. GRCh37 (hg19) VCF-style: chr11-108126972-T-G.
Other names: c.2155T>G, p.Ser719Ala (NM_001351834.2); short protein forms S719A.
Identifiers: ClinVar variation 3452957 (VCV003452957.1).
Genomic context (GRCh38, chr11:108,256,245, plus strand): 5'-TATATATTTTTATTTGTGGTTTACTTTAAGATTACAAATTCAGAAACTCTTGTCCGGTGT[T>G]CACGTCTTTTGGTGGGTGTCCTTGGCTGCTACTGTTACATGGGTGTAATAGCTGAAGAGG-3'
Protein context (NP_000042.3, residues 709-729): ITNSETLVRC[Ser719Ala]RLLVGVLGCY